The following is an entry in ClinVar:

NM_004985.5(KRAS):c.173C>T (p.Thr58Ile)

Gene: KRAS (KRas proto-oncogene, GTPase; minus strand). Cytogenetic location: 12p12.1.
Variant type: single nucleotide variant.
Coding change: c.173C>T on transcript NM_004985.5 (MANE Select); coding-DNA position 173, C replaced by T.
Protein change: p.Thr58Ile; replaces threonine 58 with isoleucine.
Molecular consequence: missense variant.
Genome position (GRCh38, 1-based): chr12:25,227,351, G>A on the plus strand (C>T on the coding strand, the complement: KRAS is on the minus strand). VCF-style: chr12-25227351-G-A. GRCh37 (hg19) VCF-style: chr12-25380285-G-A.
Other names: p.T58I:ACA>ATA; NM_004985.4(KRAS):c.173C>T; c.173C>T, p.Thr58Ile (NM_001369786.1, NM_001369787.1, NM_033360.4); short protein forms T58I.
Identifiers: ClinVar variation 12588 (VCV000012588.18), dbSNP rs104894364, ClinGen allele CA256480.

ClinVar aggregate classification (germline): Pathogenic. Review status: reviewed by expert panel (3 of 4 stars). 8 submissions from 8 submitters: Pathogenic (1). 7 of the submissions do not count toward it. Last evaluated 2017-04-03.

Conditions:
KRAS-related disorder. Also called: KRAS-related disorders; KRAS-related condition.
RASopathy. Also called: rasopathies; Noonan spectrum disorder. Identifiers: Orphanet 536391, MedGen C5555857, MONDO:0021060.
Noonan syndrome (NS). Also called: Noonan's syndrome. Identifiers: Orphanet 648, MedGen C0028326, MeSH D009634, MONDO:0018997. Disease mechanism: gain of function.
Noonan syndrome 3 (NS3). Also called: KRAS-Related Noonan Syndrome. Identifiers: Orphanet 648, MedGen C1860991, MONDO:0012371, OMIM 609942.

Allele frequency attached by ClinVar (database versions not stated): gnomAD exomes below 0.00001; TOPMed 0.00001.
gnomAD v4.1: 1 of 1,613,990 alleles (0.000062%); no homozygotes.

Submissions (8):

ClinGen RASopathy Variant Curation Expert Panel
Classification: Pathogenic for Noonan syndrome. Last evaluated: 2017-04-03. Review status: reviewed by expert panel. Criteria: ClinGen RASopathy ACMG Specifications v1. Collection method: curation. Allele origin: germline. Inheritance: Autosomal dominant inheritance.
Comment: The c.173C>T (p.Thr58Ile) variant in KRAS has been reported in the literature as an unconfirmed de novo occurrence in a patient with clinical features of a RASopathy (PM6_Strong; PMID 23321623, 20112233, 16921267, 16474405, 22488832, 18247425, 20949621). This variant was absent from large population studies (PM2; ExAC). In vitro functional studies provide some evidence that the p.Thr58Ile variant may impact protein function (PS3; PMID: 23321623, 20949621, 16921267). Furthermore, the variant is in a location that has been defined by the ClinGen RASopathy Expert Panel to be a mutational hotspot or domain of KRAS (PM1; PMID 29493581). The variant is located in the KRAS gene, which has been defined by the ClinGen RASopathy Expert Panel as a gene with a low rate of benign missense variants and pathogenic missense variants are common (PP2; PMID: 29493581). Computational prediction tools and conservation analysis suggest that the p.Thr58Ile variant may impact the protein (PP3). In summary, this variant meets criteria to be classified as pathogenic for RASopathies in an autosomal dominant manner. Rasopathy-specific ACMG/AMP criteria applied (PMID:29493581): PM6_Strong, PS3, PM2, PM1, PP2, PP3.

PreventionGenetics, part of Exact Sciences
Classification: Pathogenic for KRAS-related condition. Last evaluated: 2025-08-05. Review status: criteria provided, single submitter. Criteria: ACMG Guidelines, 2015. Collection method: clinical testing. Allele origin: germline. Not counted in ClinVar's aggregate classification.
Comment: The KRAS c.173C>T variant is predicted to result in the amino acid substitution p.Thr58Ile. This variant has been reported to occur de novo in the postnatal and prenatal settings in patients and fetuses with features consistent with Noonan syndrome (Houweling et al. 2010. PubMed ID: 20112233; Croonen et al. 2013. PubMed ID: 23321623; Case 1, Schubbert et al. 2006. PubMed ID: 16474405). Functional studies also demonstrate a deleterious effect of this variant on KRAS function leading to increased RAS activity (Schubbert et al. 2006. PubMed ID: 16474405; Gremer et al. 2011. PubMed ID: 20949621). This variant has not been reported in a large population database (gnomAD), indicating this variant is rare. This variant is classified as pathogenic by a ClinGen expert panel in the context of Noonan syndrome in ClinVar. This variant is interpreted as pathogenic.

Labcorp Genetics (formerly Invitae), Labcorp
Classification: Pathogenic for RASopathy. Last evaluated: 2025-03-08. Review status: criteria provided, single submitter. Criteria: Invitae Variant Classification Sherloc (09022015). Collection method: clinical testing. Allele origin: germline. Not counted in ClinVar's aggregate classification.
Comment: This sequence change replaces threonine, which is neutral and polar, with isoleucine, which is neutral and non-polar, at codon 58 of the KRAS protein (p.Thr58Ile). This variant is not present in population databases (gnomAD no frequency). This missense change has been observed in individual(s) with Noonan syndrome and Costello syndrome and Noonan syndrome (PMID: 16474405, 17704260, 19396835, 20186801). In at least one individual the variant was observed to be de novo. ClinVar contains an entry for this variant (Variation ID: 12588). Invitae Evidence Modeling incorporating data from in vitro experimental studies (internal data) indicates that this missense variant is expected to disrupt KRAS function with a positive predictive value of 95%. Experimental studies have shown that this missense change affects KRAS function (PMID: 16474405, 20949621). For these reasons, this variant has been classified as Pathogenic.

GeneDx
Classification: Pathogenic. Last evaluated: 2024-04-12. Review status: criteria provided, single submitter. Criteria: GeneDx Variant Classification Process June 2021. Collection method: clinical testing. Allele origin: germline. Affected: yes. Not counted in ClinVar's aggregate classification.
Comment: Identified in patients with Noonan syndrome and Noonan-like features referred for genetic testing at GeneDx and in published literature, including as a de novo variant without confirmed parentage (PMID: 16474405, 23321623); Published functional studies demonstrate a damaging effect caused by defective GTP hydrolysis and hypersensitive responsiveness to GTPase activating proteins resulting in an overall enhancement in RAS signaling (PMID: 16474405, 20949621); Missense variants in this gene are often considered pathogenic (HGMD); In silico analysis supports that this missense variant has a deleterious effect on protein structure/function; Not observed at significant frequency in large population cohorts (gnomAD); This variant is associated with the following publications: (PMID: 19396835, 16921267, 20949621, 23321623, 30055033, 26918529, 32021610, 34539730, 33726816, 35418823, 34643321, 16474405, 17875937, 29493581)

Centre of Medical Genetics, University Hospital Muenster
Classification: Pathogenic for Noonan syndrome 3. Last evaluated: 2022-04-14. Review status: criteria provided, single submitter. Criteria: ACMG Guidelines, 2015. Collection method: clinical testing. Allele origin: germline. Affected: yes. Observed: 1 variant allele, 1 heterozygote. Not counted in ClinVar's aggregate classification.
Comment: ACMG categories: PS3,PM1,PM2,PM6,PP3,PP5

Beijing Key Laboratry for Genetics of Birth Defects, Beijing Children's Hospital
Classification: Pathogenic for Noonan syndrome 3. Last evaluated: 2020-02-28. Review status: criteria provided, single submitter. Criteria: ACMG Guidelines, 2015. Collection method: clinical testing. Allele origin: germline. Affected: yes. Observed: 1 variant allele. Not counted in ClinVar's aggregate classification.

Laboratory for Molecular Medicine, Mass General Brigham Personalized Medicine
Classification: Pathogenic for Noonan syndrome. Last evaluated: 2014-03-25. Review status: criteria provided, single submitter. Criteria: LMM Criteria. Collection method: clinical testing. Allele origin: germline. Inheritance: Autosomal dominant inheritance. Observed: 2 variant alleles. Not counted in ClinVar's aggregate classification.
Comment: The Thr58Ile variant in KRAS has been previously reported in at least one fetus, one infant, and one child with clinical features of Noonan syndrome (Schubbert 2006, Houweling 2010, Croonen 2013, LMM-unpublished data). In both the fetus and the infant, the variant was reported to be de novo (Schubbert 2006, Croonen 201 3). Functional studies show that this variant impacts the protein's GTPase activ ity and leads to overall enhanced downstream signaling (Schubbert 2006, Gremer 2 010). In addition, this variant was absent from large population studies. In sum mary, this variant meets our criteria to be classified as pathogenic.

OMIM
Classification: Pathogenic for NOONAN SYNDROME 3. Last evaluated: 2009-05-01. Review status: no assertion criteria provided. Collection method: literature only. Allele origin: germline. Not counted in ClinVar's aggregate classification.

Literature cited by the submitters: PubMed 16474405 (cited by 4 submitters); PubMed 20112233 (cited by ClinGen RASopathy Variant Curation Expert Panel and Laboratory for Molecular Medicine, Mass General Brigham Personalized Medicine); PubMed 16921267 (cited by ClinGen RASopathy Variant Curation Expert Panel); PubMed 23321623 (cited by ClinGen RASopathy Variant Curation Expert Panel and Laboratory for Molecular Medicine, Mass General Brigham Personalized Medicine); PubMed 17704260 (cited by Labcorp Genetics (formerly Invitae), Labcorp and Laboratory for Molecular Medicine, Mass General Brigham Personalized Medicine); PubMed 19396835 (cited by 3 submitters); PubMed 20186801 (cited by Labcorp Genetics (formerly Invitae), Labcorp); PubMed 20949621 (cited by Labcorp Genetics (formerly Invitae), Labcorp and Laboratory for Molecular Medicine, Mass General Brigham Personalized Medicine); PubMed 18509354 (cited by Laboratory for Molecular Medicine, Mass General Brigham Personalized Medicine).